The following is an entry in ClinVar:

NM_000899.5(KITLG):c.2_4del (p.Met1del)

Gene: KITLG (KIT ligand; minus strand). Cytogenetic location: 12q21.32.
Variant type: Deletion.
Coding change: c.2_4del on transcript NM_000899.5 (MANE Select); coding-DNA positions 2 to 4, 3 bases deleted (TGA; older notation c.2_4delTGA).
Protein change: p.Met1del; deletes methionine 1.
Molecular consequence: initiator codon variant.
Genome position (GRCh38, 1-based): chr12:88,580,275-88,580,277, TCA deleted on the plus strand (TGA on the coding strand, the reverse complement: KITLG is on the minus strand); deleting any 3 consecutive bases within chr12:88,580,275-88,580,278 gives the same sequence; the c. name uses the placement nearest the transcript's 3' end. VCF-style (leftmost placement, unchanged base first): chr12-88580274-TTCA-T. GRCh37 (hg19) VCF-style: chr12-88974051-TTCA-T.
Other names: c.2_4del, p.Met1del (NM_003994.6); short protein forms M1del.
Identifiers: ClinVar variation 3647457 (VCV003647457.2).
Genomic context (GRCh38, chr12:88,580,274, plus strand): 5'-GCGCGATTTTTCCTGGAGAGCCTGGGAGCTCCCGGGCGCGCCCTACTCACTTGTGTCTTC[TTCA>T]TAAGGAAAGGCAGCGCTGCGATCCAGCACAAACAGTGGTGTGGCGACTCCGTTTAGCTGT-3'

ClinVar aggregate classification (germline): Uncertain significance (1 of 4 stars; one submission).

Submission:

Labcorp Genetics (formerly Invitae), Labcorp
Classification: Uncertain significance. Last evaluated: 2024-03-24. Review status: criteria provided, single submitter. Criteria: Invitae Variant Classification Sherloc (09022015). Collection method: clinical testing. Allele origin: germline.
Comment: This sequence change affects the initiator methionine of the KITLG mRNA. The next in-frame methionine is located at codon 52. This variant is not present in population databases (gnomAD no frequency). This variant has not been reported in the literature in individuals affected with KITLG-related conditions. Experimental studies and prediction algorithms are not available or were not evaluated, and the functional significance of this variant is currently unknown. In summary, the available evidence is currently insufficient to determine the role of this variant in disease. Therefore, it has been classified as a Variant of Uncertain Significance.